The following is an entry in ClinVar:

ClinVar aggregate classification (germline): Likely pathogenic; drug response. Review status: reviewed by expert panel (3 of 4 stars). 24 submissions from 18 submitters: Likely pathogenic (1). 16 of the submissions do not count toward it. Last evaluated 2025-08-01.

Conditions:
Malignant hyperthermia, susceptibility to. Also called: Malignant hyperthermia susceptibility. Identifiers: MedGen C5437603, MONDO:0800188.
Central core myopathy (CMYO1A). Also called: CONGENITAL MYOPATHY 1A, AUTOSOMAL DOMINANT, WITH SUSCEPTIBILITY TO MALIGNANT HYPERTHERMIA; Central core disease; Myopathy, central fibrillar. Identifiers: Orphanet 597, MedGen C5830701, MONDO:0007294, OMIM 117000.
Malignant hyperthermia, susceptibility to, 1 (MHS1). Also called: Malignant hyperthermia suceptibility 1; Anesthesia related hyperthermia; Malignant hyperpyrexia; Fulminating hyperpyrexia; Pharmacogenic myopathy; RYR1-Related Malignant Hyperthermia Susceptibility. Identifiers: Orphanet 423, MedGen C2930980, MONDO:0007783, OMIM 145600.
King Denborough syndrome (KDS). Identifiers: MedGen C1840365, MONDO:0020485, OMIM 619542.
Congenital multicore myopathy with external ophthalmoplegia (CMYO1B). Also called: MULTICORE MYOPATHY; MULTIMINICORE DISEASE WITH EXTERNAL OPHTHALMOPLEGIA; Congenital myopathy 1B, autosomal recessive; Minicore myopathy; Minicore myopathy with external ophthalmoplegia. Identifiers: Orphanet 598, Orphanet 98905, MedGen C1850674, MONDO:0009712, OMIM 255320, HP:0003789.
Congenital myopathy with fiber type disproportion. Also called: Congenital fiber-type disproportion; Congenital fiber-type disproportion myopathy. Identifiers: Orphanet 2020, MedGen C0546264, MONDO:0009711. Inheritance: all.
Inborn genetic diseases. Identifiers: MedGen C0950123, MeSH D030342.
RYR1-related disorder. Also called: RYR1-related condition; RYR1-related disorders. Identifiers: MedGen CN239331.
methoxyflurane response - Toxicity.
isoflurane response - Toxicity.
halothane response - Toxicity.
enflurane response - Toxicity.
desflurane response - Toxicity.
succinylcholine response - Toxicity.
sevoflurane response - Toxicity.

Allele frequency attached by ClinVar (database versions not stated): gnomAD 0.00001; gnomAD exomes 0.00001; TOPMed 0.00001.

Submissions 1 to 11 of 24:

ClinGen Malignant Hyperthermia Susceptibility Variant Curation Expert Panel, ClinGen
Classification: Likely pathogenic for Malignant hyperthermia, susceptibility to, 1. Last evaluated: 2025-08-01. Review status: reviewed by expert panel. Criteria: RYR1-MHS Interpretation Guidelines V2. Collection method: curation. Allele origin: germline. Inheritance: Autosomal dominant inheritance. Study: ClinGen.
Comment: This pathogenicity assessment is relevant only for malignant hyperthermia susceptibility (MHS) inherited in an autosomal dominant pattern. Variants in RYR1 can also cause other myopathies inherited in an autosomal dominant pattern or in an autosomal recessive pattern. Some of these disorders may predispose individuals to malignant hyperthermia. RYR1 variants may also contribute to a malignant hyperthermia reaction in combination with other genetic and non-genetic factors and the clinician needs to consider such factors in making management decisions. This sequence variant predicts a substitution of Alanine with Threonine at codon 2428 of the RYR1 protein, p.(Ala2428Thr). The maximum allele frequency for this variant among the six major gnomAD populations is SAS: 0.000033, a frequency consistent with pathogenicity for MHS. This variant has been reported in three unrelated individuals who have a personal or family history of a malignant hyperthermia reaction, all of these individuals had a positive in vitro contracture test (IVCT) or caffeine halothane contracture test (CHCT) result (if the proband was unavailable for testing, a positive diagnostic test result in a mutation-positive relative was counted), PS4_Moderate (PMID:12059893, PMID:16163667, PMID:30236257). Functional studies in HEK293 cells show an increased sensitivity to RYR1 agonists, PS3_Moderate (PMID:16163667). This variant resides in a region of RYR1 considered to be a hotspot for pathogenic variants that contribute to MHS, PM1 (PMID: 21118704). This variant segregates with MHS in two individuals (PMID:12059893). A REVEL score of 0.85 supports a pathogenic status for this variant. This variant has been classified as Likely Pathogenic. Criteria implemented: PS3_Moderate, PS4_Moderate, PM1, PP3_Moderate.

ClinPGx
Classification: drug response for desflurane response - Toxicity. Last evaluated: 2021-03-24. Review status: reviewed by expert panel. Criteria: Pharmacogenomics knowledge for personalized medicine. Collection method: curation. Allele origin: germline. Affected: yes.
Comment: PharmGKB Level of Evidence 1A: Level 1A clinical annotations describe variant-drug combinations that have variant-specific prescribing guidance available in a current clinical guideline annotation or an FDA-approved drug label annotation. Annotations of drug labels or clinical guidelines must give prescribing guidance for specific variants (e.g. CYP2C9*3, HLA-B*57:01) or provide mapping from defined allele functions to diplotypes and phenotypes to be used as supporting evidence for a level 1A clinical annotation. Level 1A clinical annotations must also be supported by at least one publication in addition to a clinical guideline or drug label with variant-specific prescribing guidance.

Drug is not necessarily used to treat response condition

ClinPGx
Classification: drug response for enflurane response - Toxicity. Last evaluated: 2021-03-24. Review status: reviewed by expert panel. Criteria: Pharmacogenomics knowledge for personalized medicine. Collection method: curation. Allele origin: germline. Affected: yes.
Comment: the same text as in the submission from ClinPGx above.

ClinPGx
Classification: drug response for halothane response - Toxicity. Last evaluated: 2021-03-24. Review status: reviewed by expert panel. Criteria: Pharmacogenomics knowledge for personalized medicine. Collection method: curation. Allele origin: germline. Affected: yes.
Comment: the same text as in the submission from ClinPGx above.

ClinPGx
Classification: drug response for isoflurane response - Toxicity. Last evaluated: 2021-03-24. Review status: reviewed by expert panel. Criteria: Pharmacogenomics knowledge for personalized medicine. Collection method: curation. Allele origin: germline. Affected: yes.
Comment: the same text as in the submission from ClinPGx above.

ClinPGx
Classification: drug response for methoxyflurane response - Toxicity. Last evaluated: 2021-03-24. Review status: reviewed by expert panel. Criteria: Pharmacogenomics knowledge for personalized medicine. Collection method: curation. Allele origin: germline. Affected: yes.
Comment: the same text as in the submission from ClinPGx above.

ClinPGx
Classification: drug response for sevoflurane response - Toxicity. Last evaluated: 2021-03-24. Review status: reviewed by expert panel. Criteria: Pharmacogenomics knowledge for personalized medicine. Collection method: curation. Allele origin: germline. Affected: yes.
Comment: the same text as in the submission from ClinPGx above.

ClinPGx
Classification: drug response for succinylcholine response - Toxicity. Last evaluated: 2021-03-24. Review status: reviewed by expert panel. Criteria: Pharmacogenomics knowledge for personalized medicine. Collection method: curation. Allele origin: germline. Affected: yes.
Comment: the same text as in the submission from ClinPGx above.

GeneDx
Classification: Pathogenic. Last evaluated: 2026-07-29. Review status: criteria provided, single submitter. Criteria: GeneDx Variant Classification Process June 2021. Collection method: clinical testing. Allele origin: germline. Not counted in ClinVar's aggregate classification.
Comment: Not observed at significant frequency in large population cohorts (gnomAD); Published functional studies showed that p.(A2428T) resulted in increased sensitivity to caffeine and altered channel dynamics when expressed in heterologous cells (PMID: 16163667); In silico analysis supports that this missense variant has a deleterious effect on protein structure/function; This variant is associated with the following publications: (PMID: 15315621, 31301762, 30499100, 12059893, 16163667, 36515421, 30236257, 27147545, 12668474, 33767344, 42075824)

Ambry Genetics
Classification: Likely pathogenic for Inborn genetic diseases. Last evaluated: 2026-01-20. Review status: criteria provided, single submitter. Criteria: Ambry Variant Classification Scheme 2023. Collection method: clinical testing. Allele origin: germline. Not counted in ClinVar's aggregate classification.
Comment: The c.7282G>A (p.A2428T) alteration is located in exon 45 (coding exon 45) of the RYR1 gene. This alteration results from a G to A substitution at nucleotide position 7282, causing the alanine (A) at amino acid position 2428 to be replaced by a threonine (T). Based on data from gnomAD, the A allele has an overall frequency of 0.001% (4/282738) total alleles studied. This variant was reported in multiple individuals with features consistent with malignant hyperthermia susceptibility (Rueffert, 2002; Monnier, 2005; Miller, 2018). This amino acid position is highly conserved in available vertebrate species. In an assay testing RYR1 function, this variant showed a functionally abnormal result (Monnier, 2005). This alteration is predicted to be deleterious by in silico analysis. Based on the available evidence, this alteration is classified as likely pathogenic.

Color Diagnostics, LLC DBA Color Health
Classification: Likely pathogenic for Malignant hyperthermia, susceptibility to, 1. Last evaluated: 2025-07-07. Review status: criteria provided, single submitter. Criteria: ACMG Guidelines, 2015. Collection method: clinical testing. Allele origin: germline. Not counted in ClinVar's aggregate classification.
Comment: This missense variant replaces alanine with threonine at codon 2428 of the RYR1 protein. Computational prediction suggests that this variant may have deleterious impact on protein structure and function. A functional study has shown that this variant increases sensitivity to caffeine and halothane compared to wild-type RYR1 protein (PMID: 16163667). This variant has been reported in at least six individuals affected with malignant hyperthermia susceptibility (PMID: 12059893, 16163667, 30236257), including 3 related individuals (PMID: 12059893). This variant has been identified in 4/282738 chromosomes in the general population by the Genome Aggregation Database (gnomAD). Based on the available evidence, this variant is classified as Likely Pathogenic.

NM_000540.3(RYR1):c.7282G>A (p.Ala2428Thr)

Gene: RYR1 (ryanodine receptor 1; plus strand). Cytogenetic location: 19q13.2.
Variant type: single nucleotide variant.
Coding change: c.7282G>A on transcript NM_000540.3 (MANE Select); coding-DNA position 7282, G replaced by A.
Protein change: p.Ala2428Thr; replaces alanine 2428 with threonine.
Molecular consequence: missense variant.
Genome position (GRCh38, 1-based): chr19:38,499,975, G>A. VCF-style: chr19-38499975-G-A. GRCh37 (hg19) VCF-style: chr19-38990615-G-A.
Other names: NM_000540.3(RYR1):c.7282G>A; c.7282G>A, p.Ala2428Thr (NM_001042723.2); short protein forms A2428T.
Identifiers: ClinVar variation 133193 (VCV000133193.74), dbSNP rs193922809, ClinGen allele CA024738.